The following is an entry in ClinVar:

NM_001101426.4(CRPPA):c.201A>T (p.Gln67His)

Gene: CRPPA (CDP-L-ribitol pyrophosphorylase A; minus strand). Cytogenetic location: 7p21.2.
Variant type: single nucleotide variant.
Coding change: c.201A>T on transcript NM_001101426.4 (MANE Select); coding-DNA position 201, A replaced by T.
Protein change: p.Gln67His; replaces glutamine 67 with histidine.
Molecular consequence: missense variant. On other transcripts: non-coding transcript variant (1).
Genome position (GRCh38, 1-based): chr7:16,421,122, T>A on the plus strand (A>T on the coding strand, the complement: CRPPA is on the minus strand). VCF-style: chr7-16421122-T-A. GRCh37 (hg19) VCF-style: chr7-16460747-T-A.
Other names: c.201A>T, p.Gln67His (NM_001101417.4, NM_001368197.1); short protein forms Q67H.
Identifiers: ClinVar variation 3896830 (VCV003896830.1).

ClinVar aggregate classification (germline): Uncertain significance (1 of 4 stars; one submission).

Submission:

Kariminejad - Najmabadi Pathology & Genetics Center
Classification: Uncertain significance. Last evaluated: 2016-10-04. Review status: criteria provided, single submitter. Criteria: ACMG Guidelines, 2015. Collection method: clinical testing. Allele origin: germline. Inheritance: Autosomal recessive inheritance. Affected: yes.
Comment: PM1 PM2 PP3